The following is an entry in ClinVar:

NM_001080467.3(MYO5B):c.2278C>T (p.Arg760Trp)

Gene: MYO5B (myosin VB; minus strand). Cytogenetic location: 18q21.1.
Variant type: single nucleotide variant.
Coding change: c.2278C>T on transcript NM_001080467.3 (MANE Select); coding-DNA position 2278, C replaced by T.
Protein change: p.Arg760Trp; replaces arginine 760 with tryptophan.
Molecular consequence: missense variant.
Genome position (GRCh38, 1-based): chr18:49,906,555, G>A on the plus strand (C>T on the coding strand, the complement: MYO5B is on the minus strand). VCF-style: chr18-49906555-G-A. GRCh37 (hg19) VCF-style: chr18-47432925-G-A.
Other names: short protein forms R760W.
Identifiers: ClinVar variation 1396867 (VCV001396867.3), dbSNP rs767095432, ClinGen allele CA8961138.

ClinVar aggregate classification (germline): Uncertain significance (1 of 4 stars; one submission).

gnomAD v4.1: 35 of 1,614,024 alleles (0.0022%); highest among the groups gnomAD compares: South Asian, 0.0077%; no homozygotes.

Submission:

Labcorp Genetics (formerly Invitae), Labcorp
Classification: Uncertain significance. Last evaluated: 2022-09-27. Review status: criteria provided, single submitter. Criteria: Invitae Variant Classification Sherloc (09022015). Collection method: clinical testing. Allele origin: germline.
Comment: This sequence change replaces arginine, which is basic and polar, with tryptophan, which is neutral and slightly polar, at codon 760 of the MYO5B protein (p.Arg760Trp). This variant is present in population databases (rs767095432, gnomAD 0.007%). This variant has not been reported in the literature in individuals affected with MYO5B-related conditions. ClinVar contains an entry for this variant (Variation ID: 1396867). Advanced modeling of protein sequence and biophysical properties (such as structural, functional, and spatial information, amino acid conservation, physicochemical variation, residue mobility, and thermodynamic stability) performed at Invitae indicates that this missense variant is expected to disrupt MYO5B protein function. In summary, the available evidence is currently insufficient to determine the role of this variant in disease. Therefore, it has been classified as a Variant of Uncertain Significance.